The following is an entry in ClinVar:

ClinVar aggregate classification (germline): Uncertain significance (1 of 4 stars; one submission).

Conditions:
Primary ciliary dyskinesia. Also called: Ciliary dyskinesia. Identifiers: Orphanet 244, MedGen C0008780, MONDO:0016575, HP:0012265.

Allele frequency attached by ClinVar (database versions not stated): ExAC 0.00001; gnomAD exomes 0.00001; TOPMed 0.00001; gnomAD 0.00004; 1000 Genomes Project 30x 0.00016; 1000 Genomes Project 0.00020.
gnomAD v4.1: 18 of 1,604,902 alleles (0.0011%); highest among the groups gnomAD compares: Admixed American, 0.031%; no homozygotes.

Submission:

Labcorp Genetics (formerly Invitae), Labcorp
Classification: Uncertain significance for Primary ciliary dyskinesia. Last evaluated: 2024-01-19. Review status: criteria provided, single submitter. Criteria: Invitae Variant Classification Sherloc (09022015). Collection method: clinical testing. Allele origin: germline.
Comment: This sequence change replaces asparagine, which is neutral and polar, with serine, which is neutral and polar, at codon 1441 of the DNAH8 protein (p.Asn1441Ser). This variant is present in population databases (rs567162400, gnomAD 0.003%). This variant has not been reported in the literature in individuals affected with DNAH8-related conditions. ClinVar contains an entry for this variant (Variation ID: 2076348). Experimental studies and prediction algorithms are not available or were not evaluated, and the functional significance of this variant is currently unknown. In summary, the available evidence is currently insufficient to determine the role of this variant in disease. Therefore, it has been classified as a Variant of Uncertain Significance.

NM_001206927.2(DNAH8):c.4322A>G (p.Asn1441Ser)

Gene: DNAH8 (dynein axonemal heavy chain 8; plus strand). Cytogenetic location: 6p21.2.
Variant type: single nucleotide variant.
Coding change: c.4322A>G on transcript NM_001206927.2 (MANE Select); coding-DNA position 4322, A replaced by G.
Protein change: p.Asn1441Ser; replaces asparagine 1441 with serine.
Molecular consequence: missense variant.
Genome position (GRCh38, 1-based): chr6:38,834,598, A>G. VCF-style: chr6-38834598-A-G. GRCh37 (hg19) VCF-style: chr6-38802374-A-G.
Other names: c.3671A>G, p.Asn1224Ser (NM_001371.4); short protein forms N1224S, N1441S.
Identifiers: ClinVar variation 2076348 (VCV002076348.2), dbSNP rs567162400, ClinGen allele CA3789105.
Genomic context (GRCh38, chr6:38,834,598, plus strand): 5'-ATGATTAAGAATGAAAATGGAGATTATATTCTTCCTTACAGGAAGGACCTATGGTTCCAA[A>G]TATACCACCCCAAGAAGCTAGCAACAGGCTACAGATATTTCAGGTGAAACCACATTTTTT-3'
Protein context (NP_001193856.1, residues 1431-1451): AYELEGPMVP[Asn1441Ser]IPPQEASNRL